The following is an entry in ClinVar:

ClinVar aggregate classification (germline): Uncertain significance (1 of 4 stars; one submission).

Allele frequency attached by ClinVar (database versions not stated): TOPMed 0.00002; gnomAD 0.00003.
gnomAD v4.1: 19 of 1,613,982 alleles (0.0012%); highest among the groups gnomAD compares: African/African-American, 0.008%; no homozygotes.

Submission:

Labcorp Genetics (formerly Invitae), Labcorp
Classification: Uncertain significance. Last evaluated: 2022-08-17. Review status: criteria provided, single submitter. Criteria: Invitae Variant Classification Sherloc (09022015). Collection method: clinical testing. Allele origin: germline.
Comment: In summary, the available evidence is currently insufficient to determine the role of this variant in disease. Therefore, it has been classified as a Variant of Uncertain Significance. Algorithms developed to predict the effect of missense changes on protein structure and function output the following: SIFT: "Not Available"; PolyPhen-2: "Benign"; Align-GVGD: "Not Available". The serine amino acid residue is found in multiple mammalian species, which suggests that this missense change does not adversely affect protein function. This variant is present in population databases (no rsID available, gnomAD 0.008%). This sequence change replaces asparagine, which is neutral and polar, with serine, which is neutral and polar, at codon 405 of the DSG4 protein (p.Asn405Ser). This variant has not been reported in the literature in individuals affected with DSG4-related conditions.

NM_177986.5(DSG4):c.1214A>G (p.Asn405Ser)

Genes: DSG1-AS1 (DSG1 antisense RNA 1; minus strand), DSG4 (desmoglein 4; plus strand). Cytogenetic location: 18q12.1.
Variant type: single nucleotide variant.
Coding change: c.1214A>G on transcript NM_177986.5 (MANE Select); coding-DNA position 1214, A replaced by G.
Protein change: p.Asn405Ser; replaces asparagine 405 with serine.
Molecular consequence: missense variant.
Genome position (GRCh38, 1-based): chr18:31,399,480, A>G. VCF-style: chr18-31399480-A-G. GRCh37 (hg19) VCF-style: chr18-28979443-A-G.
Other names: c.1214A>G, p.Asn405Ser (NM_001134453.3); short protein forms N405S.
Identifiers: ClinVar variation 2183631 (VCV002183631.4), dbSNP rs1232931755, ClinGen allele CA402137419.